The following is an entry in ClinVar:

NM_001830.4(CLCN4):c.1465C>A (p.Gln489Lys)

Gene: CLCN4 (chloride voltage-gated channel 4; plus strand). Cytogenetic location: Xp22.2.
Variant type: single nucleotide variant.
Coding change: c.1465C>A on transcript NM_001830.4 (MANE Select); coding-DNA position 1465, C replaced by A.
Protein change: p.Gln489Lys; replaces glutamine 489 with lysine.
Molecular consequence: missense variant.
Genome position (GRCh38, 1-based): chrX:10,212,542, C>A. VCF-style: chrX-10212542-C-A. GRCh37 (hg19) VCF-style: chrX-10180582-C-A.
Other names: c.1183C>A, p.Gln395Lys (NM_001256944.2); short protein forms Q489K, Q395K.
Identifiers: ClinVar variation 432084 (VCV000432084.2), dbSNP rs1555976933, ClinGen allele CA412040859.

ClinVar aggregate classification (germline): Likely pathogenic (1 of 4 stars; one submission).

Submission:

GeneDx
Classification: Likely pathogenic. Last evaluated: 2016-02-27. Review status: criteria provided, single submitter. Criteria: GeneDx Variant Classification (06012015). Collection method: clinical testing. Allele origin: germline. Affected: yes.
Comment: The Q489K variant in the CLCN4 gene has not been reported previously as a pathogenic variant, nor as a benign variant, to our knowledge. The Q489K variant was not observed in approximately 6500 individuals of European and African American ancestry in the NHLBI Exome Sequencing Project, indicating it is not a common benign variant in these populations The Q489K variant is a semi-conservative amino acid substitution, which may impact secondary protein structure as these residues differ in some properties. This substitution occurs at a position that is conserved across species. In silico analysis is inconsistent in its predictions as to whether or not the variant is damaging to the protein structure/function. The Q489X variant is a strong candidate for a pathogenic variant however, the possibility it may be a rare benign variant cannot be excluded.